The following is an entry in ClinVar:

NM_030665.4(RAI1):c.5309G>A (p.Arg1770His)

Gene: RAI1 (retinoic acid induced 1; plus strand). Cytogenetic location: 17p11.2.
Variant type: single nucleotide variant.
Coding change: c.5309G>A on transcript NM_030665.4 (MANE Select); coding-DNA position 5309, G replaced by A.
Protein change: p.Arg1770His; replaces arginine 1770 with histidine.
Molecular consequence: missense variant.
Genome position (GRCh38, 1-based): chr17:17,798,257, G>A. VCF-style: chr17-17798257-G-A. GRCh37 (hg19) VCF-style: chr17-17701571-G-A.
Other names: short protein forms R1770H.
Identifiers: ClinVar variation 2119512 (VCV002119512.4), dbSNP rs773297554, ClinGen allele CA8419133.
Genomic context (GRCh38, chr17:17,798,257, plus strand): 5'-CTGCCGGGAAGCCCCCCAGGCCTGACGGCCCAGCTGACCCGGCCAAGCAGGGCCCACTGC[G>A]CACCAGTGCCCGGGGCCTGTCCCGGAGGCTGCAGAGCTGCTACTGCTGTGATGGCCGGGA-3'
Protein context (NP_109590.3, residues 1760-1780): PADPAKQGPL[Arg1770His]TSARGLSRRL

ClinVar aggregate classification (germline): Uncertain significance (1 of 4 stars; one submission).

Allele frequency attached by ClinVar (database versions not stated): gnomAD exomes below 0.00001; ExAC 0.00001.
gnomAD v4.1: 4 of 1,605,108 alleles (0.00025%); highest among the groups gnomAD compares: Admixed American, 0.0034%; no homozygotes.

Submission:

Labcorp Genetics (formerly Invitae), Labcorp
Classification: Uncertain significance. Last evaluated: 2022-03-29. Review status: criteria provided, single submitter. Criteria: Invitae Variant Classification Sherloc (09022015). Collection method: clinical testing. Allele origin: germline.
Comment: In summary, the available evidence is currently insufficient to determine the role of this variant in disease. Therefore, it has been classified as a Variant of Uncertain Significance. Algorithms developed to predict the effect of missense changes on protein structure and function (SIFT, PolyPhen-2, Align-GVGD) all suggest that this variant is likely to be disruptive. This variant has not been reported in the literature in individuals affected with RAI1-related conditions. This variant is present in population databases (rs773297554, gnomAD 0.003%). This sequence change replaces arginine, which is basic and polar, with histidine, which is basic and polar, at codon 1770 of the RAI1 protein (p.Arg1770His).